The following is an entry in ClinVar:

ClinVar aggregate classification (germline): Likely pathogenic. Review status: criteria provided, single submitter (1 of 4 stars). 2 submissions from 2 submitters: Likely pathogenic (1). 1 of the submissions does not count toward it. Last evaluated 2025-11-11.

Conditions:
Amyotrophic lateral sclerosis, susceptibility to, 24. Identifiers: MedGen C4693523, MONDO:0054750, OMIM 617892.
NEK1-related disorder. Also called: NEK1-related condition.

gnomAD v4.1: 2 of 1,613,614 alleles (0.00012%); highest among the groups gnomAD compares: Admixed American, 0.0033%; no homozygotes.

Submissions (2):

3billion
Classification: Likely pathogenic for Amyotrophic lateral sclerosis, susceptibility to, 24. Last evaluated: 2025-11-11. Review status: criteria provided, single submitter. Criteria: ACMG Guidelines, 2015. Collection method: clinical testing. Allele origin: germline. Affected: yes.
Comment: The variant is observed at an extremely low frequency in the gnomAD v4.1.0 dataset (total allele frequency: <0.001%). Predicted Consequence/Location: Stop-gained (nonsense): predicted to result in a loss or disruption of normal protein function through nonsense-mediated decay (NMD) or protein truncation. Multiple pathogenic variants are reported downstream of the variant. The variant has been reported to be associated with NEK1-related disorder (ClinVar ID: VCV003357865). Therefore, this variant is classified as Likely pathogenic according to the recommendation of ACMG/AMP guideline.

PreventionGenetics, part of Exact Sciences
Classification: Likely pathogenic for NEK1-related condition. Last evaluated: 2024-07-31. Review status: no assertion criteria provided. Collection method: clinical testing. Allele origin: germline. Not counted in ClinVar's aggregate classification.
Comment: The NEK1 c.1354C>T variant is predicted to result in premature protein termination (p.Gln452*). To our knowledge, this variant has not been reported in the literature. This variant is reported in 0.0029% of alleles in individuals of Latino descent in gnomAD. Nonsense variants in NEK1 are expected to be pathogenic. This variant is interpreted as likely pathogenic.

NM_001199397.3(NEK1):c.1354C>T (p.Gln452Ter)

Gene: NEK1 (NIMA related kinase 1; minus strand). Cytogenetic location: 4q33.
Variant type: single nucleotide variant.
Coding change: c.1354C>T on transcript NM_001199397.3 (MANE Select); coding-DNA position 1354, C replaced by T.
Protein change: p.Gln452Ter; replaces glutamine 452 with a stop codon.
Molecular consequence: nonsense. On other transcripts: non-coding transcript variant (1).
Genome position (GRCh38, 1-based): chr4:169,556,008, G>A on the plus strand (C>T on the coding strand, the complement: NEK1 is on the minus strand). VCF-style: chr4-169556008-G-A. GRCh37 (hg19) VCF-style: chr4-170477159-G-A.
Other names: c.1354C>T, p.Gln452Ter (NM_001199398.3, NM_001199400.3, NM_001374418.1 and 2 more transcripts); c.1279C>T, p.Gln427Ter (NM_001199399.3); c.1303C>T, p.Gln435Ter (NM_001374420.1); c.1228C>T, p.Gln410Ter (NM_001374421.1); short protein forms Q410*, Q427*, Q435*, Q452*.
Identifiers: ClinVar variation 3357865 (VCV003357865.2), dbSNP rs1276960586.